The following is an entry in ClinVar:

NM_004070.4(CLCNKA):c.1305C>T (p.Ala435=)

Genes: CLCNKA (chloride voltage-gated channel Ka; plus strand), LOC106501712 (CLCNKA recombination region; plus strand). Cytogenetic location: 1p36.13.
Variant type: single nucleotide variant.
Coding change: c.1305C>T on transcript NM_004070.4 (MANE Select); coding-DNA position 1305, C replaced by T.
Protein change: p.Ala435=; no amino-acid change (alanine 435 retained).
Molecular consequence: synonymous variant.
Genome position (GRCh38, 1-based): chr1:16,029,972, C>T. VCF-style: chr1-16029972-C-T. GRCh37 (hg19) VCF-style: chr1-16356467-C-T.
Other names: c.1305C>T, p.Ala435= (NM_001042704.2); c.1176C>T, p.Ala392= (NM_001257139.2).
Identifiers: ClinVar variation 2638354 (VCV002638354.25), dbSNP rs775869625, ClinGen allele CA622726.

ClinVar aggregate classification (germline): Likely benign. Review status: criteria provided, multiple submitters, no conflicts (2 of 4 stars). 2 submissions from 2 submitters: Likely benign (2). Last evaluated 2024-11-21.

Allele frequency attached by ClinVar (database versions not stated): gnomAD exomes 0.00003; ExAC 0.00006; gnomAD 0.00023; TOPMed 0.00026.
gnomAD v4.1: 84 of 1,611,184 alleles (0.0052%); highest among the groups gnomAD compares: African/African-American, 0.072%; no homozygotes.

Submissions (2):

Blueprint Genetics
Classification: Likely benign. Last evaluated: 2024-11-21. Review status: criteria provided, single submitter. Criteria: ACMG Guidelines, 2015. Collection method: clinical testing. Allele origin: germline.

CeGaT Center for Human Genetics Tuebingen
Classification: Likely benign. Last evaluated: 2023-03-01. Review status: criteria provided, single submitter. Criteria: CeGaT Center For Human Genetics Tuebingen Variant Classification Criteria Version 2. Collection method: clinical testing. Allele origin: germline. Affected: yes. Observed: 1 variant allele.
Comment: CLCNKA: BP4, BP7